The following is an entry in ClinVar:

ClinVar aggregate classification (germline): Uncertain significance. Review status: criteria provided, multiple submitters, no conflicts (2 of 4 stars). 2 submissions from 2 submitters: Uncertain significance (2). Last evaluated 2024-04-29.

Allele frequency attached by ClinVar (database versions not stated): TOPMed 0.00002; gnomAD 0.00003; gnomAD exomes 0.00004; ExAC 0.00008.
gnomAD v4.1: 68 of 1,614,242 alleles (0.0042%); highest among the groups gnomAD compares: South Asian, 0.047%; no homozygotes.

Submissions (2):

Labcorp Genetics (formerly Invitae), Labcorp
Classification: Uncertain significance. Last evaluated: 2024-04-29. Review status: criteria provided, single submitter. Criteria: Invitae Variant Classification Sherloc (09022015). Collection method: clinical testing. Allele origin: germline.
Comment: This sequence change replaces isoleucine, which is neutral and non-polar, with valine, which is neutral and non-polar, at codon 1337 of the FAT2 protein (p.Ile1337Val). This variant is present in population databases (rs553540151, gnomAD 0.05%). This variant has not been reported in the literature in individuals affected with FAT2-related conditions. ClinVar contains an entry for this variant (Variation ID: 2175550). An algorithm developed to predict the effect of missense changes on protein structure and function (PolyPhen-2) suggests that this variant is likely to be tolerated. In summary, the available evidence is currently insufficient to determine the role of this variant in disease. Therefore, it has been classified as a Variant of Uncertain Significance.

Ambry Genetics
Classification: Uncertain significance. Last evaluated: 2024-04-08. Review status: criteria provided, single submitter. Criteria: Ambry Variant Classification Scheme 2023. Collection method: clinical testing. Allele origin: germline.

NM_001447.3(FAT2):c.4009A>G (p.Ile1337Val)

Genes: FAT2 (FAT atypical cadherin 2; minus strand), SLC36A1 (solute carrier family 36 member 1; plus strand). Cytogenetic location: 5q33.1.
Variant type: single nucleotide variant.
Coding change: c.4009A>G on transcript NM_001447.3 (MANE Select); coding-DNA position 4009, A replaced by G.
Protein change: p.Ile1337Val; replaces isoleucine 1337 with valine.
Molecular consequence: missense variant.
Genome position (GRCh38, 1-based): chr5:151,553,324, T>C on the plus strand (A>G on the coding strand, the complement: FAT2 is on the minus strand). VCF-style: chr5-151553324-T-C. GRCh37 (hg19) VCF-style: chr5-150932885-T-C.
Other names: c.4009A>G (NM_001447.2); short protein forms I1337V.
Identifiers: ClinVar variation 2175550 (VCV002175550.5), dbSNP rs553540151, ClinGen allele CA3521672.